The following is an entry in ClinVar:

ClinVar aggregate classification (germline): Pathogenic/Likely pathogenic. Review status: criteria provided, multiple submitters, no conflicts (2 of 4 stars). 2 submissions from 2 submitters: Pathogenic (1); Likely pathogenic (1). Last evaluated 2025-09-05.

Conditions:
COG5-congenital disorder of glycosylation. Also called: COG5-CDG; CONGENITAL DISORDER OF GLYCOSYLATION, TYPE IIi; CDG IIi. Identifiers: Orphanet 263487, MedGen C3150876, MONDO:0013325, OMIM 613612.
COG5-related disorder. Also called: COG5-related condition.

Submissions (2):

PreventionGenetics, part of Exact Sciences
Classification: Likely pathogenic for COG5-related condition. Last evaluated: 2025-09-05. Review status: criteria provided, single submitter. Criteria: ACMG Guidelines, 2015. Collection method: clinical testing. Allele origin: germline.
Comment: The COG5 c.174delA variant is predicted to result in a frameshift and premature protein termination (p.Glu58Aspfs*12). To our knowledge this variant has not been reported in the literature. This variant is reported in 0.00091% of alleles in individuals of European (Non-Finnish) descent in gnomAD. Frameshift variants in COG5 are expected to be pathogenic. This variant is interpreted as likely pathogenic.

Labcorp Genetics (formerly Invitae), Labcorp
Classification: Pathogenic for COG5-congenital disorder of glycosylation. Last evaluated: 2024-03-04. Review status: criteria provided, single submitter. Criteria: Invitae Variant Classification Sherloc (09022015). Collection method: clinical testing. Allele origin: germline.
Comment: This sequence change creates a premature translational stop signal (p.Glu58Aspfs*12) in the COG5 gene. It is expected to result in an absent or disrupted protein product. Loss-of-function variants in COG5 are known to be pathogenic (PMID: 23228021). This variant is present in population databases (rs777937112, gnomAD 0.0009%). This variant has not been reported in the literature in individuals affected with COG5-related conditions. ClinVar contains an entry for this variant (Variation ID: 631993). For these reasons, this variant has been classified as Pathogenic.

Literature cited by the submitters: PubMed 23228021 (cited by Labcorp Genetics (formerly Invitae), Labcorp).

NM_006348.5(COG5):c.81del (p.Glu27fs)

Gene: COG5 (component of oligomeric golgi complex 5; minus strand). Cytogenetic location: 7q22.3.
Variant type: Deletion.
Coding change: c.81del on transcript NM_006348.5 (MANE Select); coding-DNA position 81, one base deleted (A; older notation c.81delA).
Protein change: p.Glu27fs; shifts the reading frame from glutamic acid 27.
Molecular consequence: frameshift variant.
Genome position (GRCh38, 1-based): chr7:107,563,816, T deleted on the plus strand (A on the coding strand, the reverse complement: COG5 is on the minus strand); the first of 2 consecutive T bases (chr7:107,563,816-107,563,817); deleting either gives the same sequence. VCF-style (leftmost placement, unchanged base first): chr7-107563815-GT-G. GRCh37 (hg19) VCF-style: chr7-107204260-GT-G.
Other names: c.81del, p.Glu27fs (NM_001161520.2, NM_001379511.1, NM_001379512.1 and 5 more transcripts); short protein forms E27fs.
Identifiers: ClinVar variation 631993 (VCV000631993.10), dbSNP rs777937112, ClinGen allele CA4431560.